The following is an entry in ClinVar:

NM_177438.3(DICER1):c.3548A>G (p.Asn1183Ser)

Gene: DICER1 (dicer 1, ribonuclease III; minus strand). Cytogenetic location: 14q32.13.
Variant type: single nucleotide variant.
Coding change: c.3548A>G on transcript NM_177438.3 (MANE Select); coding-DNA position 3548, A replaced by G.
Protein change: p.Asn1183Ser; replaces asparagine 1183 with serine.
Molecular consequence: missense variant. On other transcripts: non-coding transcript variant (6).
Genome position (GRCh38, 1-based): chr14:95,103,848, T>C on the plus strand (A>G on the coding strand, the complement: DICER1 is on the minus strand). VCF-style: chr14-95103848-T-C. GRCh37 (hg19) VCF-style: chr14-95570185-T-C.
Other names: c.3548A>G, p.Asn1183Ser (NM_001195573.1, NM_001271282.3, NM_001291628.2 and 13 more transcripts); c.3266A>G, p.Asn1089Ser (NM_001395686.1); c.3143A>G, p.Asn1048Ser (NM_001395687.1, NM_001395688.1, NM_001395689.1 and 2 more transcripts); c.2981A>G, p.Asn994Ser (NM_001395691.1); c.1865A>G, p.Asn622Ser (NM_001395697.1); short protein forms N1183S, N994S, N1048S, N622S, N1089S.
Identifiers: ClinVar variation 1732533 (VCV001732533.7), dbSNP rs1238231746, ClinGen allele CA390874982.

ClinVar aggregate classification (germline): Conflicting classifications of pathogenicity. Review status: criteria provided, conflicting classifications (1 of 4 stars). 2 submissions from 2 submitters: Uncertain significance (1); Likely benign (1). Last evaluated 2023-11-15.

Conditions:
Hereditary cancer-predisposing syndrome. Also called: Neoplastic Syndromes, Hereditary; Tumor predisposition; Hereditary Cancer Syndrome; Hereditary neoplastic syndrome. Identifiers: Orphanet 140162, MedGen C0027672, MeSH D009386, MONDO:0015356.
DICER1-related tumor predisposition. Also called: DICER1 syndrome; DICER1-related pleuropulmonary blastoma cancer predisposition syndrome. Identifiers: Orphanet 284343, MedGen C3839822, MONDO:0100216.

Allele frequency attached by ClinVar (database versions not stated): gnomAD exomes below 0.00001.
gnomAD v4.1: 2 of 1,614,142 alleles (0.00012%); highest among the groups gnomAD compares: Non-Finnish European, 0.00017%; no homozygotes.

Submissions (2):

Ambry Genetics
Classification: Likely benign for Hereditary cancer-predisposing syndrome. Last evaluated: 2023-11-15. Review status: criteria provided, single submitter. Criteria: Ambry Variant Classification Scheme 2023. Collection method: clinical testing. Allele origin: germline.

Labcorp Genetics (formerly Invitae), Labcorp
Classification: Uncertain significance for DICER1-related tumor predisposition. Last evaluated: 2023-05-26. Review status: criteria provided, single submitter. Criteria: Invitae Variant Classification Sherloc (09022015). Collection method: clinical testing. Allele origin: germline.
Comment: In summary, the available evidence is currently insufficient to determine the role of this variant in disease. Therefore, it has been classified as a Variant of Uncertain Significance. Advanced modeling of protein sequence and biophysical properties (such as structural, functional, and spatial information, amino acid conservation, physicochemical variation, residue mobility, and thermodynamic stability) performed at Invitae indicates that this missense variant is not expected to disrupt DICER1 protein function. ClinVar contains an entry for this variant (Variation ID: 1732533). This variant has not been reported in the literature in individuals affected with DICER1-related conditions. This variant is present in population databases (no rsID available, gnomAD 0.0009%). This sequence change replaces asparagine, which is neutral and polar, with serine, which is neutral and polar, at codon 1183 of the DICER1 protein (p.Asn1183Ser).